The following is an entry in ClinVar:

NM_014727.3(KMT2B):c.1801C>T (p.Arg601Trp)

Gene: KMT2B (lysine methyltransferase 2B; plus strand). Cytogenetic location: 19q13.12.
Variant type: single nucleotide variant.
Coding change: c.1801C>T on transcript NM_014727.3 (MANE Select); coding-DNA position 1801, C replaced by T.
Protein change: p.Arg601Trp; replaces arginine 601 with tryptophan.
Molecular consequence: missense variant.
Genome position (GRCh38, 1-based): chr19:35,721,148, C>T. VCF-style: chr19-35721148-C-T. GRCh37 (hg19) VCF-style: chr19-36212050-C-T.
Other names: short protein forms R601W.
Identifiers: ClinVar variation 2878635 (VCV002878635.3), dbSNP rs773862731, ClinGen allele CA9384300.

ClinVar aggregate classification (germline): Uncertain significance (1 of 4 stars; one submission).

Allele frequency attached by ClinVar (database versions not stated): gnomAD 0.00001; TOPMed 0.00001; gnomAD exomes 0.00002.
gnomAD v4.1: 35 of 1,597,120 alleles (0.0022%); highest among the groups gnomAD compares: Non-Finnish European, 0.0026%; no homozygotes.

Submission:

Labcorp Genetics (formerly Invitae), Labcorp
Classification: Uncertain significance. Last evaluated: 2023-02-02. Review status: criteria provided, single submitter. Criteria: Invitae Variant Classification Sherloc (09022015). Collection method: clinical testing. Allele origin: germline.
Comment: In summary, the available evidence is currently insufficient to determine the role of this variant in disease. Therefore, it has been classified as a Variant of Uncertain Significance. Advanced modeling of protein sequence and biophysical properties (such as structural, functional, and spatial information, amino acid conservation, physicochemical variation, residue mobility, and thermodynamic stability) performed at Invitae indicates that this missense variant is expected to disrupt KMT2B protein function. This variant has not been reported in the literature in individuals affected with KMT2B-related conditions. The frequency data for this variant in the population databases is considered unreliable, as metrics indicate poor data quality at this position in the gnomAD database. This sequence change replaces arginine, which is basic and polar, with tryptophan, which is neutral and slightly polar, at codon 601 of the KMT2B protein (p.Arg601Trp).